The following is an entry in ClinVar:

NM_000214.3(JAG1):c.1375C>A (p.Gln459Lys)

Gene: JAG1 (jagged canonical Notch ligand 1; minus strand). Cytogenetic location: 20p12.2.
Variant type: single nucleotide variant.
Coding change: c.1375C>A on transcript NM_000214.3 (MANE Select); coding-DNA position 1375, C replaced by A.
Protein change: p.Gln459Lys; replaces glutamine 459 with lysine.
Molecular consequence: missense variant.
Genome position (GRCh38, 1-based): chr20:10,649,081, G>T on the plus strand (C>A on the coding strand, the complement: JAG1 is on the minus strand). VCF-style: chr20-10649081-G-T. GRCh37 (hg19) VCF-style: chr20-10629729-G-T.
Other names: c.1375C>A, p.Gln459Lys (LRG_1191t1); short protein forms Q459K.
Identifiers: ClinVar variation 449676 (VCV000449676.3), dbSNP rs1289016419, ClinGen allele CA408238005.

ClinVar aggregate classification (germline): Uncertain significance. Review status: criteria provided, multiple submitters, no conflicts (2 of 4 stars). 2 submissions from 2 submitters: Uncertain significance (2). Last evaluated 2025-06-15.

Conditions:
Cardiovascular phenotype. Identifiers: MedGen CN230736.

Allele frequency attached by ClinVar (database versions not stated): gnomAD exomes below 0.00001.
gnomAD v4.1: 2 of 1,610,308 alleles (0.00012%); highest among the groups gnomAD compares: Non-Finnish European, 0.00017%; no homozygotes.

Submissions (2):

Ambry Genetics
Classification: Uncertain significance for Cardiovascular phenotype. Last evaluated: 2025-06-15. Review status: criteria provided, single submitter. Criteria: Ambry Variant Classification Scheme 2023. Collection method: clinical testing. Allele origin: germline.
Comment: The p.Q459K variant (also known as c.1375C>A), located in coding exon 11 of the JAG1 gene, results from a C to A substitution at nucleotide position 1375. The glutamine at codon 459 is replaced by lysine, an amino acid with similar properties. This amino acid position is conserved. In addition, the in silico prediction for this alteration is inconclusive. Based on the available evidence, the clinical significance of this variant remains unclear.

GeneDx
Classification: Uncertain significance. Last evaluated: 2017-10-13. Review status: criteria provided, single submitter. Criteria: GeneDx Variant Classification (06012015). Collection method: clinical testing. Allele origin: germline. Affected: yes.
Comment: The Q459K variant has not been published as a pathogenic variant, nor has it been reported as a benign variant to our knowledge. The variant is observed in 1/111692 (0.001%) alleles from individuals of European background in the ExAC dataset (Lek et al., 2016). Q459K is a semi-conservative amino acid substitution, which may impact secondary protein structure as these residues differ in some properties. This substitution occurs at a position that is conserved across species, and in silico analysis predicts this variant is probably damaging to the protein structure/function. In summary, based on the currently available information, it is unclear whether this variant is a pathogenic variant or a rare benign variant.